The following is an entry in ClinVar:

ClinVar aggregate classification (germline): Benign/Likely benign. Review status: criteria provided, multiple submitters, no conflicts (2 of 4 stars). 2 submissions from 2 submitters: Benign (1); Likely benign (1). Last evaluated 2025-06-05.

Conditions:
Distal hereditary motor neuropathy type 2. Identifiers: Orphanet 139525, MedGen C3711384, MeSH C580044, MONDO:0015352.
FBXO38-related disorder. Also called: FBXO38-related condition.

Allele frequency attached by ClinVar (database versions not stated): TOPMed 0.00003; ExAC 0.00008; ESP Exome Variant Server 0.00008; gnomAD exomes 0.00009.
gnomAD v4.1: 77 of 1,610,060 alleles (0.0048%); highest among the groups gnomAD compares: Non-Finnish European, 0.0038%; no homozygotes.

Submissions (2):

PreventionGenetics, part of Exact Sciences
Classification: Likely benign for FBXO38-related condition. Last evaluated: 2025-06-05. Review status: criteria provided, single submitter. Criteria: ACMG Guidelines, 2015. Collection method: clinical testing. Allele origin: germline.
Comment: This variant is classified as likely benign based on ACMG/AMP sequence variant interpretation guidelines (Richards et al. 2015 PMID: 25741868, with internal and published modifications).

Labcorp Genetics (formerly Invitae), Labcorp
Classification: Benign for Distal hereditary motor neuropathy type 2. Last evaluated: 2024-08-20. Review status: criteria provided, single submitter. Criteria: Invitae Variant Classification Sherloc (09022015). Collection method: clinical testing. Allele origin: germline.

NM_205836.3(FBXO38):c.1738+8T>A

Gene: FBXO38 (F-box protein 38; plus strand). Cytogenetic location: 5q32.
Variant type: single nucleotide variant.
Coding change: c.1738+8T>A on transcript NM_205836.3 (MANE Select); 8 bases into the intron after coding-DNA position 1738, T replaced by A.
Molecular consequence: intron variant.
Genome position (GRCh38, 1-based): chr5:148,424,125, T>A. VCF-style: chr5-148424125-T-A. GRCh37 (hg19) VCF-style: chr5-147803688-T-A.
Other names: c.1738+8T>A (NM_030793.5, NM_001271723.2).
Identifiers: ClinVar variation 714025 (VCV000714025.13), dbSNP rs369463389, ClinGen allele CA3497354.